The following is an entry in ClinVar:

ClinVar aggregate classification (germline): Uncertain significance (1 of 4 stars; one submission).

Conditions:
KBG syndrome (KBGS). Also called: ANKRD11-Related KBG Syndrome. Identifiers: Orphanet 2332, MedGen C0220687, MONDO:0007846, OMIM 148050.

Allele frequency attached by ClinVar (database versions not stated): gnomAD exomes 0.00001; ExAC 0.00002.
gnomAD v4.1: 6 of 1,610,220 alleles (0.00037%); highest among the groups gnomAD compares: Admixed American, 0.01%; no homozygotes.

Submission:

Labcorp Genetics (formerly Invitae), Labcorp
Classification: Uncertain significance for KBG syndrome. Last evaluated: 2024-02-15. Review status: criteria provided, single submitter. Criteria: Invitae Variant Classification Sherloc (09022015). Collection method: clinical testing. Allele origin: germline.
Comment: This sequence change replaces glycine, which is neutral and non-polar, with valine, which is neutral and non-polar, at codon 984 of the ANKRD11 protein (p.Gly984Val). This variant is present in population databases (rs754224251, gnomAD 0.02%). This variant has not been reported in the literature in individuals affected with ANKRD11-related conditions. Advanced modeling of protein sequence and biophysical properties (such as structural, functional, and spatial information, amino acid conservation, physicochemical variation, residue mobility, and thermodynamic stability) performed at Invitae indicates that this missense variant is not expected to disrupt ANKRD11 protein function with a negative predictive value of 95%. In summary, the available evidence is currently insufficient to determine the role of this variant in disease. Therefore, it has been classified as a Variant of Uncertain Significance.

NM_013275.6(ANKRD11):c.2951G>T (p.Gly984Val)

Gene: ANKRD11 (ankyrin repeat domain 11; minus strand). Cytogenetic location: 16q24.3.
Variant type: single nucleotide variant.
Coding change: c.2951G>T on transcript NM_013275.6 (MANE Select); coding-DNA position 2951, G replaced by T.
Protein change: p.Gly984Val; replaces glycine 984 with valine.
Molecular consequence: missense variant.
Genome position (GRCh38, 1-based): chr16:89,283,591, C>A on the plus strand (G>T on the coding strand, the complement: ANKRD11 is on the minus strand). VCF-style: chr16-89283591-C-A. GRCh37 (hg19) VCF-style: chr16-89349999-C-A.
Other names: c.2951G>T, p.Gly984Val (NM_001256182.2, NM_001256183.2); short protein forms G984V.
Identifiers: ClinVar variation 2717138 (VCV002717138.3), dbSNP rs754224251, ClinGen allele CA8242466.